The following is an entry in ClinVar:

NM_000719.7(CACNA1C):c.6202G>A (p.Asp2068Asn)

Genes: CACNA1C (calcium voltage-gated channel subunit alpha1 C; plus strand), CACNA1C-AS1 (CACNA1C antisense RNA 1; minus strand). Cytogenetic location: 12p13.33.
Variant type: single nucleotide variant.
Coding change: c.6202G>A on transcript NM_000719.7 (MANE Select); coding-DNA position 6202, G replaced by A.
Protein change: p.Asp2068Asn; replaces aspartic acid 2068 with asparagine.
Molecular consequence: missense variant.
Genome position (GRCh38, 1-based): chr12:2,690,984, G>A. VCF-style: chr12-2690984-G-A. GRCh37 (hg19) VCF-style: chr12-2800150-G-A.
Other names: c.6346G>A, p.Asp2116Asn (NM_001129827.2); c.6325G>A, p.Asp2109Asn (NM_001129829.2); c.6307G>A, p.Asp2103Asn (NM_001129830.3, NM_001167624.3); c.6286G>A, p.Asp2096Asn (NM_001129831.2); c.6262G>A, p.Asp2088Asn (NM_001129832.2); c.6259G>A, p.Asp2087Asn (NM_001129833.2, NM_001129834.2, NM_001129835.2); c.6253G>A, p.Asp2085Asn (NM_001129836.2); c.6226G>A, p.Asp2076Asn (NM_001129837.2, NM_001129838.2); and 6 more; short protein forms D2085N, D2088N, D2103N, D2057N, D2074N, D2076N, D2116N, D2128N.
Identifiers: ClinVar variation 3016956 (VCV003016956.3), dbSNP rs2535485713, ClinGen allele CA383386364.

ClinVar aggregate classification (germline): Uncertain significance (1 of 4 stars; one submission).

Conditions:
Long QT syndrome (LQTS). Identifiers: MedGen C0023976, MeSH D008133, MONDO:0002442. Disease mechanism: loss of function. Inheritance: Various modes of inheritance.

gnomAD v4.1: 2 of 1,600,496 alleles (0.00012%); highest among the groups gnomAD compares: Non-Finnish European, 0.000085%; no homozygotes.

Submission:

Labcorp Genetics (formerly Invitae), Labcorp
Classification: Uncertain significance for Long QT syndrome. Last evaluated: 2023-02-11. Review status: criteria provided, single submitter. Criteria: Invitae Variant Classification Sherloc (09022015). Collection method: clinical testing. Allele origin: germline.
Comment: In summary, the available evidence is currently insufficient to determine the role of this variant in disease. Therefore, it has been classified as a Variant of Uncertain Significance. Advanced modeling of protein sequence and biophysical properties (such as structural, functional, and spatial information, amino acid conservation, physicochemical variation, residue mobility, and thermodynamic stability) performed at Invitae indicates that this missense variant is not expected to disrupt CACNA1C protein function. This variant has not been reported in the literature in individuals affected with CACNA1C-related conditions. This variant is not present in population databases (gnomAD no frequency). This sequence change replaces aspartic acid, which is acidic and polar, with asparagine, which is neutral and polar, at codon 2068 of the CACNA1C protein (p.Asp2068Asn).